The following is an entry in ClinVar:

ClinVar aggregate classification (germline): Uncertain significance (1 of 4 stars; one submission).

Conditions:
Hereditary cancer-predisposing syndrome. Also called: Neoplastic Syndromes, Hereditary; Tumor predisposition; Hereditary neoplastic syndrome; Hereditary Cancer Syndrome. Identifiers: Orphanet 140162, MedGen C0027672, MeSH D009386, MONDO:0015356.

Submission:

Ambry Genetics
Classification: Uncertain significance for Hereditary cancer-predisposing syndrome. Last evaluated: 2024-03-06. Review status: criteria provided, single submitter. Criteria: Ambry Variant Classification Scheme 2023. Collection method: clinical testing. Allele origin: germline.
Comment: The p.F185V variant (also known as c.553T>G), located in coding exon 3 of the RET gene, results from a T to G substitution at nucleotide position 553. The phenylalanine at codon 185 is replaced by valine, an amino acid with highly similar properties. This amino acid position is well conserved in available vertebrate species. In addition, the in silico prediction for this alteration is inconclusive. Since supporting evidence is limited at this time, the clinical significance of this alteration remains unclear.

NM_020975.6(RET):c.553T>G (p.Phe185Val)

Gene: RET (ret proto-oncogene; plus strand). Cytogenetic location: 10q11.21.
Variant type: single nucleotide variant.
Coding change: c.553T>G on transcript NM_020975.6 (MANE Select); coding-DNA position 553, T replaced by G.
Protein change: p.Phe185Val; replaces phenylalanine 185 with valine.
Molecular consequence: missense variant.
Genome position (GRCh38, 1-based): chr10:43,102,557, T>G. VCF-style: chr10-43102557-T-G. GRCh37 (hg19) VCF-style: chr10-43598005-T-G.
Other names: c.553T>G, p.Phe185Val (NM_000323.2, NM_001406743.1, NM_001406744.1 and 16 more transcripts); c.424T>G, p.Phe142Val (NM_001406761.1, NM_001406762.1, NM_001406764.1 and 4 more transcripts); short protein forms F185V, F142V.
Identifiers: ClinVar variation 825816 (VCV000825816.6), dbSNP rs1048022444, ClinGen allele CA376543463.